The following is an entry in ClinVar:

ClinVar aggregate classification (germline): Uncertain significance (1 of 4 stars; one submission).

Submission:

Labcorp Genetics (formerly Invitae), Labcorp
Classification: Uncertain significance. Last evaluated: 2023-08-04. Review status: criteria provided, single submitter. Criteria: Invitae Variant Classification Sherloc (09022015). Collection method: clinical testing. Allele origin: germline.
Comment: In summary, the available evidence is currently insufficient to determine the role of this variant in disease. Therefore, it has been classified as a Variant of Uncertain Significance. An algorithm developed to predict the effect of missense changes on protein structure and function (PolyPhen-2) suggests that this variant is likely to be disruptive. ClinVar contains an entry for this variant (Variation ID: 1034765). This variant has not been reported in the literature in individuals affected with ADIPOR1-related conditions. This variant is not present in population databases (gnomAD no frequency). This sequence change replaces tyrosine, which is neutral and polar, with phenylalanine, which is neutral and non-polar, at codon 225 of the ADIPOR1 protein (p.Tyr225Phe).

NM_015999.6(ADIPOR1):c.674A>T (p.Tyr225Phe)

Gene: ADIPOR1 (adiponectin receptor 1; minus strand). Cytogenetic location: 1q32.1.
Variant type: single nucleotide variant.
Coding change: c.674A>T on transcript NM_015999.6 (MANE Select); coding-DNA position 674, A replaced by T.
Protein change: p.Tyr225Phe; replaces tyrosine 225 with phenylalanine.
Molecular consequence: missense variant.
Genome position (GRCh38, 1-based): chr1:202,943,889, T>A on the plus strand (A>T on the coding strand, the complement: ADIPOR1 is on the minus strand). VCF-style: chr1-202943889-T-A. GRCh37 (hg19) VCF-style: chr1-202913017-T-A.
Other names: c.674A>T, p.Tyr225Phe (NM_001290553.2, NM_001290557.1, NM_001290629.1); short protein forms Y225F.
Identifiers: ClinVar variation 1034765 (VCV001034765.10), dbSNP rs1654199670, ClinGen allele CA344279424.